The following is an entry in ClinVar:

NM_004168.4(SDHA):c.1621A>G (p.Lys541Glu)

Gene: SDHA (succinate dehydrogenase complex flavoprotein subunit A; plus strand). Cytogenetic location: 5p15.33.
Variant type: single nucleotide variant.
Coding change: c.1621A>G on transcript NM_004168.4 (MANE Select); coding-DNA position 1621, A replaced by G.
Protein change: p.Lys541Glu; replaces lysine 541 with glutamic acid.
Molecular consequence: missense variant. On other transcripts: intron variant (1).
Genome position (GRCh38, 1-based): chr5:251,061, A>G. VCF-style: chr5-251061-A-G. GRCh37 (hg19) VCF-style: chr5-251176-A-G.
Other names: c.1477A>G, p.Lys493Glu (NM_001294332.2); c.1552-3332A>G (NM_001330758.2); c.1621A>G (NM_004168.2); short protein forms K541E, K493E.
Identifiers: ClinVar variation 947221 (VCV000947221.12), dbSNP rs1736791200, ClinGen allele CA358998649.
Genomic context (GRCh38, chr5:251,061, plus strand): 5'-AATCATGCTGCCGTGTTCCGTGTGGGAAGCGTGTTGCAAGAAGGTTGTGGGAAAATCAGC[A>G]AGCTCTATGGAGACCTAAAGCACCTGAAGACGTTCGACCGGGGTGAGCAGACAGTGGGCT-3'
Protein context (NP_004159.2, residues 531-551): VLQEGCGKIS[Lys541Glu]LYGDLKHLKT

ClinVar aggregate classification (germline): Conflicting classifications of pathogenicity. Review status: criteria provided, conflicting classifications (1 of 4 stars). 2 submissions from 2 submitters: Uncertain significance (1); Likely benign (1). Last evaluated 2026-02-09.

Conditions:
Hereditary cancer-predisposing syndrome. Also called: Hereditary Cancer Syndrome; Neoplastic Syndromes, Hereditary; Tumor predisposition; Hereditary neoplastic syndrome. Identifiers: Orphanet 140162, MedGen C0027672, MeSH D009386, MONDO:0015356.
Mitochondrial complex II deficiency, nuclear type 1. Also called: SUCCINATE CoQ REDUCTASE DEFICIENCY. Identifiers: Orphanet 3208, MedGen C5700310, MONDO:0100294, OMIM 252011.
Pheochromocytoma/paraganglioma syndrome 5. Also called: Paragangliomas 5; SDHA-Related Hereditary Paraganglioma-Pheochromocytoma Syndrome. Identifiers: Orphanet 29072, MedGen C3279992, MONDO:0013602, OMIM 614165.

Submissions (2):

Ambry Genetics
Classification: Likely benign for Hereditary cancer-predisposing syndrome. Last evaluated: 2026-02-09. Review status: criteria provided, single submitter. Criteria: Ambry Variant Classification Scheme 2023. Collection method: clinical testing. Allele origin: germline.

Labcorp Genetics (formerly Invitae), Labcorp
Classification: Uncertain significance for Pheochromocytoma/paraganglioma syndrome 5; Mitochondrial complex II deficiency, nuclear type 1. Last evaluated: 2019-05-15. Review status: criteria provided, single submitter. Criteria: Invitae Variant Classification Sherloc (09022015). Collection method: clinical testing. Allele origin: germline.
Comment: This variant has not been reported in the literature in individuals with SDHA-related conditions. This variant is not present in population databases (ExAC no frequency). This sequence change replaces lysine with glutamic acid at codon 541 of the SDHA protein (p.Lys541Glu). The lysine residue is weakly conserved and there is a small physicochemical difference between lysine and glutamic acid. Algorithms developed to predict the effect of missense changes on protein structure and function (SIFT, PolyPhen-2, Align-GVGD) all suggest that this variant is likely to be tolerated, but these predictions have not been confirmed by published functional studies and their clinical significance is uncertain. In summary, the available evidence is currently insufficient to determine the role of this variant in disease. Therefore, it has been classified as a Variant of Uncertain Significance.